The following is an entry in ClinVar:

ClinVar aggregate classification (germline): Uncertain significance (1 of 4 stars; one submission).

Conditions:
Hereditary cancer-predisposing syndrome. Also called: Neoplastic Syndromes, Hereditary; Tumor predisposition; Hereditary neoplastic syndrome; Hereditary Cancer Syndrome. Identifiers: Orphanet 140162, MedGen C0027672, MeSH D009386, MONDO:0015356.

Submission:

Ambry Genetics
Classification: Uncertain significance for Hereditary cancer-predisposing syndrome. Last evaluated: 2026-07-07. Review status: criteria provided, single submitter. Criteria: Ambry Variant Classification Scheme 2023. Collection method: clinical testing. Allele origin: germline.
Comment: The p.T457S variant (also known as c.1369A>T), located in coding exon 10 of the CDH1 gene, results from an A to T substitution at nucleotide position 1369. The threonine at codon 457 is replaced by serine, an amino acid with similar properties. This amino acid position is conserved. In addition, this alteration is predicted to be tolerated by in silico analysis. Based on the available evidence, the clinical significance of this variant remains unclear.

NM_004360.5(CDH1):c.1369A>T (p.Thr457Ser)

Gene: CDH1 (cadherin 1; plus strand). Cytogenetic location: 16q22.1.
Variant type: single nucleotide variant.
Coding change: c.1369A>T on transcript NM_004360.5 (MANE Select); coding-DNA position 1369, A replaced by T.
Protein change: p.Thr457Ser; replaces threonine 457 with serine.
Molecular consequence: missense variant. On other transcripts: 5 prime UTR variant (2).
Genome position (GRCh38, 1-based): chr16:68,815,563, A>T. VCF-style: chr16-68815563-A-T. GRCh37 (hg19) VCF-style: chr16-68849466-A-T.
Other names: c.1186A>T, p.Thr396Ser (NM_001317184.2); c.-180A>T (NM_001317185.2); c.-451A>T (NM_001317186.2); short protein forms T457S, T396S.
Identifiers: ClinVar variation 5033991 (VCV005033991.1).